The following is an entry in ClinVar:

NM_004304.5(ALK):c.4779_4789del (p.Leu1593fs)

Gene: ALK (ALK receptor tyrosine kinase; minus strand). Cytogenetic location: 2p23.2.
Variant type: Deletion.
Coding change: c.4779_4789del on transcript NM_004304.5 (MANE Select); coding-DNA positions 4779 to 4789, 11 bases deleted (AGAAGCCGCTA).
Protein change: p.Leu1593fs; shifts the reading frame from leucine 1593.
Molecular consequence: frameshift variant.
Genome position (GRCh38, 1-based): chr2:29,193,298-29,193,308, TAGCGGCTTCT deleted on the plus strand (AGAAGCCGCTA on the coding strand, the reverse complement: ALK is on the minus strand). VCF-style (leftmost placement, unchanged base first): chr2-29193297-GTAGCGGCTTCT-G. GRCh37 (hg19) VCF-style: chr2-29416163-GTAGCGGCTTCT-G.
Other names: c.1575_1585del, p.Leu525fs (NM_001353765.2); short protein forms L525fs, L1593fs.
Identifiers: ClinVar variation 2064533 (VCV002064533.4), dbSNP rs2465872471, ClinGen allele CA2580066282.

ClinVar aggregate classification (germline): Uncertain significance (1 of 4 stars; one submission).

Conditions:
Neuroblastoma, susceptibility to, 3. Also called: ALK-Related Neuroblastic Tumor Susceptibility. Identifiers: Orphanet 635, MedGen C2751681, MONDO:0013083, OMIM 613014.

Submission:

Labcorp Genetics (formerly Invitae), Labcorp
Classification: Uncertain significance for Neuroblastoma, susceptibility to, 3. Last evaluated: 2021-12-29. Review status: criteria provided, single submitter. Criteria: Invitae Variant Classification Sherloc (09022015). Collection method: clinical testing. Allele origin: germline.
Comment: This sequence change creates a premature translational stop signal (p.Leu1593Phefs*18) in the ALK gene. While this is not anticipated to result in nonsense mediated decay, it is expected to disrupt the last 28 amino acid(s) of the ALK protein. This variant is not present in population databases (gnomAD no frequency). This variant has not been reported in the literature in individuals affected with ALK-related conditions. In summary, the available evidence is currently insufficient to determine the role of this variant in disease. Therefore, it has been classified as a Variant of Uncertain Significance.